The following is an entry in ClinVar:

NM_030632.3(ASXL3):c.6199C>T (p.Leu2067Phe)

Gene: ASXL3 (ASXL transcriptional regulator 3; plus strand). Cytogenetic location: 18q12.1.
Variant type: single nucleotide variant.
Coding change: c.6199C>T on transcript NM_030632.3 (MANE Select); coding-DNA position 6199, C replaced by T.
Protein change: p.Leu2067Phe; replaces leucine 2067 with phenylalanine.
Molecular consequence: missense variant.
Genome position (GRCh38, 1-based): chr18:33,746,047, C>T. VCF-style: chr18-33746047-C-T. GRCh37 (hg19) VCF-style: chr18-31326011-C-T.
Other names: short protein forms L2067F.
Identifiers: ClinVar variation 3767521 (VCV003767521.2).
Genomic context (GRCh38, chr18:33,746,047, plus strand): 5'-AATGCAGAAGTCCCATCTGATCAAAAACAACCTCCAGTTACCATGGAAACCACTAAGAGA[C>T]TTAGTTGGCCACAGTCCACGGGCATATGTAGCAATATAAAATCGGAACCTCTTTCTTTTG-3'
Protein context (NP_085135.1, residues 2057-2077): PPVTMETTKR[Leu2067Phe]SWPQSTGICS

ClinVar aggregate classification (germline): Uncertain significance. Review status: criteria provided, multiple submitters, no conflicts (2 of 4 stars). 2 submissions from 2 submitters: Uncertain significance (2). Last evaluated 2025-08-31.

Conditions:
Inborn genetic diseases. Identifiers: MedGen C0950123, MeSH D030342.

Submissions (2):

Ambry Genetics
Classification: Uncertain significance for Inborn genetic diseases. Last evaluated: 2025-08-31. Review status: criteria provided, single submitter. Criteria: Ambry Variant Classification Scheme 2023. Collection method: clinical testing. Allele origin: germline.

GeneDx
Classification: Uncertain significance. Last evaluated: 2024-09-07. Review status: criteria provided, single submitter. Criteria: GeneDx Variant Classification Process June 2021. Collection method: clinical testing. Allele origin: germline. Affected: yes.
Comment: Not observed at significant frequency in large population cohorts (gnomAD); In silico analysis indicates that this missense variant does not alter protein structure/function; Has not been previously published as pathogenic or benign to our knowledge